The following is an entry in ClinVar:

ClinVar aggregate classification (germline): Uncertain significance. Review status: criteria provided, multiple submitters, no conflicts (2 of 4 stars). 2 submissions from 2 submitters: Uncertain significance (2). Last evaluated 2024-06-27.

Conditions:
Hereditary cancer-predisposing syndrome. Also called: Neoplastic Syndromes, Hereditary; Hereditary Cancer Syndrome; Hereditary neoplastic syndrome; Tumor predisposition. Identifiers: Orphanet 140162, MedGen C0027672, MeSH D009386, MONDO:0015356.
Tuberous sclerosis 2 (TSC2). Identifiers: Orphanet 805, MedGen C1860707, MONDO:0013199, OMIM 613254.

Submissions (2):

Ambry Genetics
Classification: Uncertain significance for Hereditary cancer-predisposing syndrome. Last evaluated: 2024-06-27. Review status: criteria provided, single submitter. Criteria: Ambry Variant Classification Scheme 2023. Collection method: clinical testing. Allele origin: germline.
Comment: The p.Y719H variant (also known as c.2155T>C), located in coding exon 19 of the TSC2 gene, results from a T to C substitution at nucleotide position 2155. The tyrosine at codon 719 is replaced by histidine, an amino acid with similar properties. This amino acid position is well conserved in available vertebrate species. In addition, the in silico prediction for this alteration is inconclusive. Based on the available evidence, the clinical significance of this variant remains unclear.

Labcorp Genetics (formerly Invitae), Labcorp
Classification: Uncertain significance for Tuberous sclerosis 2. Last evaluated: 2022-10-12. Review status: criteria provided, single submitter. Criteria: Invitae Variant Classification Sherloc (09022015). Collection method: clinical testing. Allele origin: germline.
Comment: In summary, the available evidence is currently insufficient to determine the role of this variant in disease. Therefore, it has been classified as a Variant of Uncertain Significance. Advanced modeling of protein sequence and biophysical properties (such as structural, functional, and spatial information, amino acid conservation, physicochemical variation, residue mobility, and thermodynamic stability) performed at Invitae indicates that this missense variant is not expected to disrupt TSC2 protein function. ClinVar contains an entry for this variant (Variation ID: 847463). This variant has not been reported in the literature in individuals affected with TSC2-related conditions. This variant is not present in population databases (gnomAD no frequency). This sequence change replaces tyrosine, which is neutral and polar, with histidine, which is basic and polar, at codon 719 of the TSC2 protein (p.Tyr719His).

NM_000548.5(TSC2):c.2155T>C (p.Tyr719His)

Gene: TSC2 (TSC complex subunit 2; plus strand). Cytogenetic location: 16p13.3.
Variant type: single nucleotide variant.
Coding change: c.2155T>C on transcript NM_000548.5 (MANE Select); coding-DNA position 2155, T replaced by C.
Protein change: p.Tyr719His; replaces tyrosine 719 with histidine.
Molecular consequence: missense variant.
Genome position (GRCh38, 1-based): chr16:2,072,298, T>C. VCF-style: chr16-2072298-T-C. GRCh37 (hg19) VCF-style: chr16-2122299-T-C.
Other names: c.2155T>C, p.Tyr719His (NM_001077183.3, NM_001114382.3, NM_001363528.2 and 3 more transcripts); c.2044T>C, p.Tyr682His (NM_001318827.2); c.2008T>C, p.Tyr670His (NM_001318829.2); c.1555T>C, p.Tyr519His (NM_001318831.2); c.2188T>C, p.Tyr730His (NM_001318832.2); short protein forms Y682H, Y730H, Y519H, Y670H, Y719H.
Identifiers: ClinVar variation 847463 (VCV000847463.10), dbSNP rs2088573694, ClinGen allele CA394274854.
Genomic context (GRCh38, chr16:2,072,298, plus strand): 5'-CAGGAGTCTGACTGGAAGGTGCTGAAGCTGGTTCTGGGCAGGCTGCCTGAGTCCCTGCGC[T>C]ATAAAGTGCTCATCTTTACTTCCCCTTGCAGTGTGGACCAGCTGTGCTCTGCTCTCTGCT-3'
Protein context (NP_000539.2, residues 709-729): VLGRLPESLR[Tyr719His]KVLIFTSPCS